The following is an entry in ClinVar:

ClinVar aggregate classification (germline): Uncertain significance. Review status: criteria provided, single submitter (1 of 4 stars). 3 submissions from 2 submitters: Uncertain significance (2). 1 of the submissions does not count toward it.

Conditions:
Transitory neonatal diabetes mellitus. Also called: Transient neonatal diabetes mellitus. Identifiers: MedGen C0342273, MONDO:0020525, HP:0008255.
Maturity-onset diabetes of the young (MODY). Also called: Maturity onset diabetes mellitus in young. Identifiers: Orphanet 552, MedGen C0342276, MONDO:0018911, HP:0004904.
Hyperinsulinemic hypoglycemia, familial, 1 (HHF1). Also called: Persistent hyperinsulinemic hypoglycemia of infancy; HYPERINSULINISM, FAMILIAL, WITH PANCREATIC NESIDIOBLASTOSIS; HYPOGLYCEMIA, HYPERINSULINEMIC, OF INFANCY; NESIDIOBLASTOSIS OF PANCREAS; Persistent Hyperinsulinemia Hypoglycemia of Infancy. Identifiers: Orphanet 276575, Orphanet 276598, MedGen C2931832, MONDO:0009734, OMIM 256450.

Submissions (3):

Clinical Genomics, Uppaluri K&H Personalized Medicine Clinic
Classification: Uncertain significance for Maturity-onset diabetes of the young. Review status: criteria provided, single submitter. Criteria: K & H Uppaluri Personalized Medicine Clinic Variant Classification & Assertion Criteria_Updated V.1. Collection method: research. Allele origin: somatic. Inheritance: Somatic mutation.
Comment: Mutations in ABCC8 gene are associated with both neonatal diabetes mellitus as well as MODY. Patients with this mutation may have a better response to sulfonylureas. However, no sufficient evidence is found to ascertain the role of this particular variant ( rs1554904088) in MODY yet.

Clinical Genomics, Uppaluri K&H Personalized Medicine Clinic
Classification: Uncertain significance for Transitory neonatal diabetes mellitus. Review status: criteria provided, single submitter. Criteria: K & H Uppaluri Personalized Medicine Clinic Variant Classification & Assertion Criteria_Updated V.1. Collection method: research. Allele origin: somatic. Inheritance: Somatic mutation.
Comment: Mutations in ABCC8 gene are associated with both neonatal diabetes mellitus as well as MODY. Patients with this mutation may have a better response to sulfonylureas. However, no sufficient evidence is found to ascertain the role of this particular variant ( rs1554904088 ) in neonatal diabetes yet.

Counsyl
Classification: Uncertain significance for Hyperinsulinemic hypoglycemia, familial, 1. Last evaluated: 2017-04-12. Review status: no assertion criteria provided. Collection method: clinical testing. Allele origin: unknown. Not counted in ClinVar's aggregate classification.

Literature cited by the submitters: PubMed 16885549 (cited by Clinical Genomics, Uppaluri K&H Personalized Medicine Clinic); PubMed 21989597 (cited by Clinical Genomics, Uppaluri K&H Personalized Medicine Clinic); PubMed 27538677 (cited by Clinical Genomics, Uppaluri K&H Personalized Medicine Clinic); PubMed 18981553 (cited by Clinical Genomics, Uppaluri K&H Personalized Medicine Clinic); PubMed 32027066 (cited by Clinical Genomics, Uppaluri K&H Personalized Medicine Clinic); PubMed 16613899 (cited by Clinical Genomics, Uppaluri K&H Personalized Medicine Clinic); PubMed 18025408 (cited by Clinical Genomics, Uppaluri K&H Personalized Medicine Clinic); PubMed 32792356 (cited by Clinical Genomics, Uppaluri K&H Personalized Medicine Clinic).

NM_000352.6(ABCC8):c.4456_4461del (p.Arg1486_Gln1487del)

Gene: ABCC8 (ATP binding cassette subfamily C member 8; minus strand). Cytogenetic location: 11p15.1.
Variant type: Deletion.
Coding change: c.4456_4461del on transcript NM_000352.6 (MANE Select); coding-DNA positions 4456 to 4461, 6 bases deleted (AGGCAG; older notation c.4456_4461delAGGCAG).
Protein change: p.Arg1486_Gln1487del.
Molecular consequence: inframe deletion. On other transcripts: non-coding transcript variant (1).
Genome position (GRCh38, 1-based): chr11:17,394,350-17,394,355, CTGCCT deleted on the plus strand (AGGCAG on the coding strand, the reverse complement: ABCC8 is on the minus strand); deleting any 6 consecutive bases within chr11:17,394,350-17,394,358 gives the same sequence; the c. name uses the placement nearest the transcript's 3' end. VCF-style (leftmost placement, unchanged base first): chr11-17394349-GCTGCCT-G. GRCh37 (hg19) VCF-style: chr11-17415896-GCTGCCT-G.
Other names: c.4459_4464del, p.Arg1487_Gln1488del (NM_001287174.3); c.4522_4527del, p.Arg1508_Gln1509del (NM_001351295.2); c.4456_4461del, p.Arg1486_Gln1487del (NM_001351296.2); c.4453_4458del, p.Arg1485_Gln1486del (NM_001351297.2).
Identifiers: ClinVar variation 551485 (VCV000551485.3), dbSNP rs1554904088, ClinGen allele CA658822166.